The following is an entry in ClinVar:

NC_000010.10:g.(?_95891911)_(96087866_?)dup

Gene: PLCE1 (phospholipase C epsilon 1; plus strand). Cytogenetic location: 10q23.33.
Variant type: Duplication.
Identifiers: ClinVar variation 2426296 (VCV002426296.4).

ClinVar aggregate classification (germline): Uncertain significance (1 of 4 stars; one submission).

Submission:

Labcorp Genetics (formerly Invitae), Labcorp
Classification: Uncertain significance. Last evaluated: 2023-04-05. Review status: criteria provided, single submitter. Criteria: Invitae Variant Classification Sherloc (09022015). Collection method: clinical testing. Allele origin: germline.
Comment: In summary, the available evidence is currently insufficient to determine the role of this variant in disease. Therefore, it has been classified as a Variant of Uncertain Significance. Experimental studies and prediction algorithms are not available or were not evaluated, and the functional significance of this variant is currently unknown. This variant has not been reported in the literature in individuals affected with PLCE1-related conditions. This variant results in a copy number gain of the genomic region encompassing exon(s) 3-33 of the PLCE1 gene. This region includes the termination codon of the gene. This copy number gain extends beyond the assayed region for this gene and therefore may encompass additional genes. As the precise location of this event is unknown, it may be in tandem or it may be located elsewhere in the genome.